The following is an entry in ClinVar:

NM_021629.4(GNB4):c.592A>T (p.Thr198Ser)

Gene: GNB4 (G protein subunit beta 4; minus strand). Cytogenetic location: 3q26.33.
Variant type: single nucleotide variant.
Coding change: c.592A>T on transcript NM_021629.4 (MANE Select); coding-DNA position 592, A replaced by T.
Protein change: p.Thr198Ser; replaces threonine 198 with serine.
Molecular consequence: missense variant.
Genome position (GRCh38, 1-based): chr3:179,413,519, T>A on the plus strand (A>T on the coding strand, the complement: GNB4 is on the minus strand). VCF-style: chr3-179413519-T-A. GRCh37 (hg19) VCF-style: chr3-179131307-T-A.
Other names: short protein forms T198S.
Identifiers: ClinVar variation 861762 (VCV000861762.11), dbSNP rs776836938, ClinGen allele CA2712461.

ClinVar aggregate classification (germline): Conflicting classifications of pathogenicity. Review status: criteria provided, conflicting classifications (1 of 4 stars). 2 submissions from 2 submitters: Uncertain significance (1); Likely benign (1). Last evaluated 2019-11-27.

Conditions:
Inborn genetic diseases. Identifiers: MedGen C0950123, MeSH D030342.
Charcot-Marie-Tooth disease dominant intermediate F. Identifiers: Orphanet 352670, MedGen C4749463, MONDO:0014074, OMIM 615185.

Allele frequency attached by ClinVar (database versions not stated): gnomAD 0.00001; TOPMed 0.00001; ExAC 0.00002; gnomAD exomes 0.00003.
gnomAD v4.1: 11 of 1,613,912 alleles (0.00068%); highest among the groups gnomAD compares: Admixed American, 0.0083%; no homozygotes.

Submissions (2):

Ambry Genetics
Classification: Likely benign for Inborn genetic diseases. Last evaluated: 2019-11-27. Review status: criteria provided, single submitter. Criteria: Ambry Variant Classification Scheme 2023. Collection method: clinical testing. Allele origin: germline.

Labcorp Genetics (formerly Invitae), Labcorp
Classification: Uncertain significance for Charcot-Marie-Tooth disease dominant intermediate F. Last evaluated: 2019-04-01. Review status: criteria provided, single submitter. Criteria: Invitae Variant Classification Sherloc (09022015). Collection method: clinical testing. Allele origin: germline.
Comment: Algorithms developed to predict the effect of missense changes on protein structure and function are either unavailable or do not agree on the potential impact of this missense change (SIFT: "Deleterious"; PolyPhen-2: "Benign"; Align-GVGD: "Class C55"). In summary, the available evidence is currently insufficient to determine the role of this variant in disease. Therefore, it has been classified as a Variant of Uncertain Significance. Algorithms developed to predict the effect of sequence changes on RNA splicing suggest that this variant may create or strengthen a splice site, but this prediction has not been confirmed by published transcriptional studies. This variant has not been reported in the literature in individuals with GNB4-related conditions. This variant is present in population databases (rs776836938, ExAC 0.003%). This sequence change replaces threonine with serine at codon 198 of the GNB4 protein (p.Thr198Ser). The threonine residue is highly conserved and there is a small physicochemical difference between threonine and serine.